The following is an entry in ClinVar:

NM_015338.6(ASXL1):c.1782C>G (p.Cys594Trp)

Gene: ASXL1 (ASXL transcriptional regulator 1; plus strand). Cytogenetic location: 20q11.21.
Variant type: single nucleotide variant.
Coding change: c.1782C>G on transcript NM_015338.6 (MANE Select); coding-DNA position 1782, C replaced by G.
Protein change: p.Cys594Trp; replaces cysteine 594 with tryptophan.
Molecular consequence: missense variant.
Genome position (GRCh38, 1-based): chr20:32,434,494, C>G. VCF-style: chr20-32434494-C-G. GRCh37 (hg19) VCF-style: chr20-31022297-C-G.
Other names: c.1599C>G, p.Cys533Trp (NM_001363734.1); short protein forms C594W, C533W.
Identifiers: ClinVar variation 5029995 (VCV005029995.1).

ClinVar aggregate classification (germline): Uncertain significance (1 of 4 stars; one submission).

Conditions:
Inborn genetic diseases. Identifiers: MedGen C0950123, MeSH D030342.

Submission:

Ambry Genetics
Classification: Uncertain significance for Inborn genetic diseases. Last evaluated: 2026-07-21. Review status: criteria provided, single submitter. Criteria: Ambry Variant Classification Scheme 2023. Collection method: clinical testing. Allele origin: germline.
Comment: The p.C594W variant (also known as c.1782C>G), located in coding exon 13 of the ASXL1 gene, results from a C to G substitution at nucleotide position 1782. The cysteine at codon 594 is replaced by tryptophan, an amino acid with highly dissimilar properties. This amino acid position is conserved. In addition, this alteration is predicted to be tolerated by in silico analysis. Based on the available evidence, the clinical significance of this variant remains unclear.